The following is an entry in ClinVar:

NM_020134.4(DPYSL5):c.148G>T (p.Val50Leu)

Gene: DPYSL5 (dihydropyrimidinase like 5; plus strand). Cytogenetic location: 2p23.3.
Variant type: single nucleotide variant.
Coding change: c.148G>T on transcript NM_020134.4 (MANE Select); coding-DNA position 148, G replaced by T.
Protein change: p.Val50Leu; replaces valine 50 with leucine.
Molecular consequence: missense variant.
Genome position (GRCh38, 1-based): chr2:26,898,647, G>T. VCF-style: chr2-26898647-G-T. GRCh37 (hg19) VCF-style: chr2-27121515-G-T.
Other names: c.148G>T, p.Val50Leu (NM_001253723.2, NM_001253724.2); short protein forms V50L.
Identifiers: ClinVar variation 4527029 (VCV004527029.1).

ClinVar aggregate classification (germline): Uncertain significance (1 of 4 stars; one submission).

Submission:

GeneDx
Classification: Uncertain significance. Last evaluated: 2025-05-09. Review status: criteria provided, single submitter. Criteria: GeneDx Variant Classification Process June 2021. Collection method: clinical testing. Allele origin: germline. Affected: yes.
Comment: Not observed at significant frequency in large population cohorts (gnomAD); In silico analysis suggests that this missense variant does not alter protein structure/function; Has not been previously published as pathogenic or benign to our knowledge